The following is an entry in ClinVar:

ClinVar aggregate classification (germline): Pathogenic. Review status: reviewed by expert panel (3 of 4 stars). 2 submissions from 2 submitters: Pathogenic (1). 1 of the submissions does not count toward it. Last evaluated 2016-10-18.

Conditions:
Breast-ovarian cancer, familial, susceptibility to, 1 (BROVCA1). Also called: BRCA1 Hereditary Breast and Ovarian Cancer; OVARIAN CANCER, SUSCEPTIBILITY TO. Identifiers: Orphanet 145, MedGen C2676676, MONDO:0011450, OMIM 604370. Disease mechanism: loss of function.

Submissions (2):

Evidence-based Network for the Interpretation of Germline Mutant Alleles (ENIGMA)
Classification: Pathogenic for Breast-ovarian cancer, familial, susceptibility to, 1. Last evaluated: 2016-10-18. Review status: reviewed by expert panel. Criteria: ENIGMA BRCA1/2 Classification Criteria (2015). Collection method: curation. Allele origin: germline.
Comment: Variant allele predicted to encode a truncated non-functional protein.

Consortium of Investigators of Modifiers of BRCA1/2 (CIMBA), c/o University of Cambridge
Classification: Pathogenic for Breast-ovarian cancer, familial, susceptibility to, 1. Last evaluated: 2015-10-02. Review status: criteria provided, single submitter. Criteria: CIMBA Mutation Classification guidelines May 2016. Collection method: clinical testing. Allele origin: germline. Not counted in ClinVar's aggregate classification.

NM_007294.4(BRCA1):c.4921del (p.Ala1641fs)

Gene: BRCA1 (BRCA1 DNA repair associated; minus strand). Cytogenetic location: 17q21.31.
Variant type: Deletion.
Coding change: c.4921del on transcript NM_007294.4 (MANE Select); coding-DNA position 4921, one base deleted (G; older notation c.4921delG).
Protein change: p.Ala1641fs; shifts the reading frame from alanine 1641.
Molecular consequence: frameshift variant. On other transcripts: non-coding transcript variant (1).
Genome position (GRCh38, 1-based): chr17:43,070,993, C deleted on the plus strand (G on the coding strand, the reverse complement: BRCA1 is on the minus strand). VCF-style (leftmost placement, unchanged base first): chr17-43070992-GC-G. GRCh37 (hg19) VCF-style: chr17-41223009-GC-G.
Other names: 5040delG; c.4708delG, p.Ala1570Leufs (NM_001407571.1, NM_001407894.1, NM_001407895.1 and 12 more transcripts); c.4987delG, p.Ala1663Leufs (NM_001407581.1, NM_001407582.1); c.4984delG, p.Ala1662Leufs (NM_001407583.1, NM_001407585.1, NM_001407587.1); c.4981delG, p.Ala1661Leufs (NM_001407590.1, NM_001407591.1); c.4921delG, p.Ala1641Leufs (NM_001407593.1, NM_001407594.1, NM_001407596.1 and 9 more transcripts); c.4918delG, p.Ala1640Leufs (NM_001407610.1, NM_001407611.1, NM_001407612.1 and 17 more transcripts); c.4915delG, p.Ala1639Leufs (NM_001407627.1, NM_001407628.1, NM_001407629.1 and 14 more transcripts); and 74 more; short protein forms A1594fs, A1641fs, A1662fs, A537fs.
Identifiers: ClinVar variation 266505 (VCV000266505.6), dbSNP rs886040257, ClinGen allele CA10589636.